The following is an entry in ClinVar:

ClinVar aggregate classification (germline): Conflicting classifications of pathogenicity. Review status: criteria provided, conflicting classifications (1 of 4 stars). 2 submissions from 2 submitters: Uncertain significance (1); Likely benign (1). Last evaluated 2022-09-29.

Conditions:
Inborn genetic diseases. Identifiers: MedGen C0950123, MeSH D030342.

Allele frequency attached by ClinVar (database versions not stated): 1000 Genomes Project 30x 0.00031; TOPMed 0.00033; gnomAD 0.00036; 1000 Genomes Project 0.00040; ESP Exome Variant Server 0.00054.
gnomAD v4.1: 770 of 1,602,896 alleles (0.048%); highest among the groups gnomAD compares: Non-Finnish European, 0.062%; no homozygotes.

Submissions (4):

Ambry Genetics
Classification: Likely benign for Inborn genetic diseases. Last evaluated: 2022-09-29. Review status: criteria provided, single submitter. Criteria: Ambry Variant Classification Scheme 2023. Collection method: clinical testing. Allele origin: germline.

Labcorp Genetics (formerly Invitae), Labcorp
Classification: Uncertain significance. Last evaluated: 2022-03-08. Review status: criteria provided, single submitter. Criteria: Invitae Variant Classification Sherloc (09022015). Collection method: clinical testing. Allele origin: germline.
Comment: This sequence change replaces alanine, which is neutral and non-polar, with valine, which is neutral and non-polar, at codon 284 of the GZF1 protein (p.Ala284Val). This variant is present in population databases (rs143775476, gnomAD 0.06%). This variant has not been reported in the literature in individuals affected with GZF1-related conditions. Algorithms developed to predict the effect of missense changes on protein structure and function output the following: SIFT: "Not Available"; PolyPhen-2: "Benign"; Align-GVGD: "Not Available". The valine amino acid residue is found in multiple mammalian species, which suggests that this missense change does not adversely affect protein function. In summary, the available evidence is currently insufficient to determine the role of this variant in disease. Therefore, it has been classified as a Variant of Uncertain Significance.

Dr. Peter K. Rogan Lab, Western University
No classification provided (evidence only). Condition: Thyroid cancer, nonmedullary, 1. Review status: no classification provided. Collection method: in vitro. Allele origin: not applicable. Functional consequence: retained intron. Not counted in ClinVar's aggregate classification.

Dr. Peter K. Rogan Lab, Western University
No classification provided (evidence only). Condition: Cholangiocarcinoma. Review status: no classification provided. Collection method: in vitro. Allele origin: not applicable. Functional consequence: retained intron. Not counted in ClinVar's aggregate classification.

NM_022482.5(GZF1):c.851C>T (p.Ala284Val)

Gene: GZF1 (GDNF inducible zinc finger protein 1; plus strand). Cytogenetic location: 20p11.21.
Variant type: single nucleotide variant.
Coding change: c.851C>T on transcript NM_022482.5 (MANE Select); coding-DNA position 851, C replaced by T.
Protein change: p.Ala284Val; replaces alanine 284 with valine.
Molecular consequence: missense variant.
Genome position (GRCh38, 1-based): chr20:23,365,234, C>T. VCF-style: chr20-23365234-C-T. GRCh37 (hg19) VCF-style: chr20-23345871-C-T.
Other names: c.851C>T (NM_022482.3); c.851C>T, p.Ala284Val (NM_001317012.2, NM_001317019.1); short protein forms A284V.
Identifiers: ClinVar variation 1479621 (VCV001479621.5), dbSNP rs143775476, ClinGen allele CA9788585.